The following is an entry in ClinVar:

NM_016203.4(PRKAG2):c.679A>G (p.Lys227Glu)

Gene: PRKAG2 (protein kinase AMP-activated non-catalytic subunit gamma 2; minus strand). Cytogenetic location: 7q36.1.
Variant type: single nucleotide variant.
Coding change: c.679A>G on transcript NM_016203.4 (MANE Select); coding-DNA position 679, A replaced by G.
Protein change: p.Lys227Glu; replaces lysine 227 with glutamic acid.
Molecular consequence: missense variant.
Genome position (GRCh38, 1-based): chr7:151,675,425, T>C on the plus strand (A>G on the coding strand, the complement: PRKAG2 is on the minus strand). VCF-style: chr7-151675425-T-C. GRCh37 (hg19) VCF-style: chr7-151372511-T-C.
Other names: c.547A>G, p.Lys183Glu (NM_001040633.2); c.307A>G, p.Lys103Glu (NM_001304527.2, NM_001363698.2); short protein forms K227E, K183E, K103E.
Identifiers: ClinVar variation 663766 (VCV000663766.10), dbSNP rs766460601, ClinGen allele CA057810.

ClinVar aggregate classification (germline): Uncertain significance. Review status: criteria provided, multiple submitters, no conflicts (2 of 4 stars). 3 submissions from 3 submitters: Uncertain significance (3). Last evaluated 2024-08-06.

Conditions:
Cardiomyopathy (CMYO). Also called: Cardiomyopathies. Identifiers: Orphanet 167848, MedGen C0878544, MONDO:0004994, HP:0001638. Inheritance: Various modes of inheritance.
Hypertrophic cardiomyopathy. Also called: HYPERTROPHIC MYOCARDIOPATHY. Identifiers: Orphanet 217569, MedGen C0007194, MeSH D002312, MONDO:0005045, HP:0001639.
Lethal congenital glycogen storage disease of heart. Also called: GLYCOGEN STORAGE DISEASE OF HEART; PHOSPHORYLASE KINASE DEFICIENCY OF HEART. Identifiers: Orphanet 439854, MedGen C1849813, MONDO:0009867, OMIM 261740.

Allele frequency attached by ClinVar (database versions not stated): gnomAD exomes 0.00001; ExAC 0.00002.
gnomAD v4.1: 3 of 1,613,814 alleles (0.00019%); highest among the groups gnomAD compares: Non-Finnish European, 0.00025%; no homozygotes.

Submissions (3):

All of Us Research Program, National Institutes of Health
Classification: Uncertain significance for Hypertrophic cardiomyopathy. Last evaluated: 2024-08-06. Review status: criteria provided, single submitter. Criteria: ACMG Guidelines, 2015. Collection method: clinical testing. Allele origin: germline. Inheritance: Autosomal dominant inheritance. Observed: 1 variant allele, 1 heterozygote.
Comment: This missense variant replaces lysine with glutamic acid at codon 227 of the PRKAG2 protein. Computational prediction suggests that this variant may not impact protein structure and function (internally defined REVEL score threshold <= 0.5, PMID: 27666373). To our knowledge, functional studies have not been reported for this variant. This variant has not been reported in individuals affected with cardiovascular disorders in the literature. This variant has been identified in 2/250816 chromosomes in the general population by the Genome Aggregation Database (gnomAD). The available evidence is insufficient to determine the role of this variant in disease conclusively. Therefore, this variant is classified as a Variant of Uncertain Significance.

This study involves interpretation of variants in research participants for the purpose of population health screening. Participant phenotype was not available at the time of variant classification. Additional details can be found in publication PMID: 35346344, PMCID: PMC8962531

Color Diagnostics, LLC DBA Color Health
Classification: Uncertain significance for Cardiomyopathy. Last evaluated: 2024-03-06. Review status: criteria provided, single submitter. Criteria: ACMG Guidelines, 2015. Collection method: clinical testing. Allele origin: germline.
Comment: This missense variant replaces lysine with glutamic acid at codon 227 of the PRKAG2 protein. Computational prediction suggests that this variant may not impact protein structure and function (internally defined REVEL score threshold <= 0.5, PMID: 27666373). To our knowledge, functional studies have not been reported for this variant. This variant has not been reported in individuals affected with cardiovascular disorders in the literature. This variant has been identified in 2/250816 chromosomes in the general population by the Genome Aggregation Database (gnomAD). The available evidence is insufficient to determine the role of this variant in disease conclusively. Therefore, this variant is classified as a Variant of Uncertain Significance.

Labcorp Genetics (formerly Invitae), Labcorp
Classification: Uncertain significance for Lethal congenital glycogen storage disease of heart. Last evaluated: 2018-10-11. Review status: criteria provided, single submitter. Criteria: Invitae Variant Classification Sherloc (09022015). Collection method: clinical testing. Allele origin: germline.
Comment: Algorithms developed to predict the effect of missense changes on protein structure and function (SIFT, PolyPhen-2, Align-GVGD) all suggest that this variant is likely to be tolerated, but these predictions have not been confirmed by published functional studies and their clinical significance is uncertain. This sequence change replaces lysine with glutamic acid at codon 227 of the PRKAG2 protein (p.Lys227Glu). The lysine residue is weakly conserved and there is a small physicochemical difference between lysine and glutamic acid. This variant is present in population databases (rs766460601, ExAC 0.003%). This variant has not been reported in the literature in individuals with PRKAG2-related disease. In summary, the available evidence is currently insufficient to determine the role of this variant in disease. Therefore, it has been classified as a Variant of Uncertain Significance.